The following is an entry in ClinVar:

NM_014314.4(RIGI):c.1439G>A (p.Arg480Lys)

Gene: RIGI (RNA sensor RIG-I; minus strand). Cytogenetic location: 9p21.1.
Variant type: single nucleotide variant.
Coding change: c.1439G>A on transcript NM_014314.4 (MANE Select); coding-DNA position 1439, G replaced by A.
Protein change: p.Arg480Lys; replaces arginine 480 with lysine.
Molecular consequence: missense variant.
Genome position (GRCh38, 1-based): chr9:32,485,216, C>T on the plus strand (G>A on the coding strand, the complement: RIGI is on the minus strand). VCF-style: chr9-32485216-C-T. GRCh37 (hg19) VCF-style: chr9-32485214-C-T.
Other names: c.1433G>A, p.Arg478Lys (NM_001385907.1); c.1439G>A, p.Arg480Lys (NM_001385909.1); c.998G>A, p.Arg333Lys (NM_001385910.1); c.830G>A, p.Arg277Lys (NM_001385912.1); c.1424G>A, p.Arg475Lys (NM_001385913.1); c.995G>A, p.Arg332Lys (NM_001385914.1); short protein forms R333K, R475K, R277K, R478K, R332K, R480K.
Identifiers: ClinVar variation 4708566 (VCV004708566.1).

ClinVar aggregate classification (germline): Uncertain significance (1 of 4 stars; one submission).

gnomAD v4.1: 2 of 1,609,928 alleles (0.00012%); highest among the groups gnomAD compares: Non-Finnish European, 0.00017%; no homozygotes.

Submission:

Labcorp Genetics (formerly Invitae), Labcorp
Classification: Uncertain significance. Last evaluated: 2025-12-08. Review status: criteria provided, single submitter. Criteria: Invitae Variant Classification Sherloc (09022015). Collection method: clinical testing. Allele origin: germline.
Comment: This sequence change replaces arginine, which is basic and polar, with lysine, which is basic and polar, at codon 480 of the DDX58 protein (p.Arg480Lys). The frequency data for this variant in the population databases is considered unreliable, as metrics indicate poor data quality at this position in the gnomAD database. This variant has not been reported in the literature in individuals affected with DDX58-related conditions. Invitae Evidence Modeling of protein sequence and biophysical properties (such as structural, functional, and spatial information, amino acid conservation, physicochemical variation, residue mobility, and thermodynamic stability) indicates that this missense variant is not expected to disrupt DDX58 protein function with a negative predictive value of 80%. In summary, the available evidence is currently insufficient to determine the role of this variant in disease. Therefore, it has been classified as a Variant of Uncertain Significance.